The following is an entry in ClinVar:

NM_001110556.2(FLNA):c.55G>A (p.Gly19Ser)

Gene: FLNA (filamin A; minus strand). Cytogenetic location: Xq28.
Variant type: single nucleotide variant.
Coding change: c.55G>A on transcript NM_001110556.2 (MANE Select); coding-DNA position 55, G replaced by A.
Protein change: p.Gly19Ser; replaces glycine 19 with serine.
Molecular consequence: missense variant.
Genome position (GRCh38, 1-based): chrX:154,371,191, C>T on the plus strand (G>A on the coding strand, the complement: FLNA is on the minus strand). VCF-style: chrX-154371191-C-T. GRCh37 (hg19) VCF-style: chrX-153599559-C-T.
Other names: c.55G>A, p.Gly19Ser (NM_001456.4); short protein forms G19S.
Identifiers: ClinVar variation 4871429 (VCV004871429.1).

ClinVar aggregate classification (germline): Uncertain significance (1 of 4 stars; one submission).

Conditions:
Familial thoracic aortic aneurysm and aortic dissection (TAAD). Also called: Thoracic aortic aneurysms and dissections. Identifiers: Orphanet 91387, MedGen C4707243, MONDO:0019625.

gnomAD v4.1: 2 of 1,194,639 alleles (0.00017%); highest among the groups gnomAD compares: African/African-American, 0.0035%; no homozygotes.

Submission:

Ambry Genetics
Classification: Uncertain significance for Familial thoracic aortic aneurysm and aortic dissection. Last evaluated: 2026-06-09. Review status: criteria provided, single submitter. Criteria: Ambry Variant Classification Scheme 2023. Collection method: clinical testing. Allele origin: germline.
Comment: The p.G19S variant (also known as c.55G>A), located in coding exon 1 of the FLNA gene, results from a G to A substitution at nucleotide position 55. The glycine at codon 19 is replaced by serine, an amino acid with similar properties. This amino acid position is conserved. In addition, this alteration is predicted to be tolerated by in silico analysis. Based on the available evidence, the clinical significance of this variant remains unclear.